The following is an entry in ClinVar:

ClinVar aggregate classification (germline): Uncertain significance. Review status: criteria provided, multiple submitters, no conflicts (2 of 4 stars). 2 submissions from 2 submitters: Uncertain significance (2). Last evaluated 2024-09-25.

Conditions:
Hereditary cancer-predisposing syndrome. Also called: Hereditary Cancer Syndrome; Tumor predisposition; Neoplastic Syndromes, Hereditary; Hereditary neoplastic syndrome. Identifiers: Orphanet 140162, MedGen C0027672, MeSH D009386, MONDO:0015356.
Cardiovascular phenotype. Identifiers: MedGen CN230736.
Neurofibromatosis, type 1 (NF1). Also called: VON RECKLINGHAUSEN DISEASE; Neurofibromatosis, type I; NEUROFIBROMATOSIS, TYPE I, SOMATIC; Peripheral type neurofibromatosis. Identifiers: Orphanet 636, MedGen C0027831, MONDO:0018975, OMIM 162200. Disease mechanism: loss of function.

Submissions (2):

Labcorp Genetics (formerly Invitae), Labcorp
Classification: Uncertain significance for Neurofibromatosis, type 1. Last evaluated: 2024-09-25. Review status: criteria provided, single submitter. Criteria: Invitae Variant Classification Sherloc (09022015). Collection method: clinical testing. Allele origin: germline.
Comment: This sequence change replaces glycine, which is neutral and non-polar, with glutamic acid, which is acidic and polar, at codon 885 of the NF1 protein (p.Gly885Glu). This variant is not present in population databases (gnomAD no frequency). This variant has not been reported in the literature in individuals affected with NF1-related conditions. Invitae Evidence Modeling of protein sequence and biophysical properties (such as structural, functional, and spatial information, amino acid conservation, physicochemical variation, residue mobility, and thermodynamic stability) indicates that this missense variant is not expected to disrupt NF1 protein function with a negative predictive value of 95%. In summary, the available evidence is currently insufficient to determine the role of this variant in disease. Therefore, it has been classified as a Variant of Uncertain Significance.

Ambry Genetics
Classification: Uncertain significance for Cardiovascular phenotype; Hereditary cancer-predisposing syndrome. Last evaluated: 2023-09-08. Review status: criteria provided, single submitter. Criteria: Ambry Variant Classification Scheme 2023. Collection method: clinical testing. Allele origin: germline.
Comment: The p.G885E variant (also known as c.2654G>A), located in coding exon 21 of the NF1 gene, results from a G to A substitution at nucleotide position 2654. The glycine at codon 885 is replaced by glutamic acid, an amino acid with similar properties. This amino acid position is conserved. In addition, the in silico prediction for this alteration is inconclusive. Since supporting evidence is limited at this time, the clinical significance of this alteration remains unclear.

NM_001042492.3(NF1):c.2654G>A (p.Gly885Glu)

Gene: NF1 (neurofibromin 1; plus strand). Cytogenetic location: 17q11.2.
Variant type: single nucleotide variant.
Coding change: c.2654G>A on transcript NM_001042492.3 (MANE Select); coding-DNA position 2654, G replaced by A.
Protein change: p.Gly885Glu; replaces glycine 885 with glutamic acid.
Molecular consequence: missense variant.
Genome position (GRCh38, 1-based): chr17:31,229,269, G>A. VCF-style: chr17-31229269-G-A. GRCh37 (hg19) VCF-style: chr17-29556287-G-A.
Other names: c.2654G>A, p.Gly885Glu (NM_000267.4); short protein forms G885E.
Identifiers: ClinVar variation 3237690 (VCV003237690.3), dbSNP rs2508186205.